The following is an entry in ClinVar:

NM_000166.6(GJB1):c.64C>T (p.Arg22Ter)

Gene: GJB1 (gap junction protein beta 1; plus strand). Cytogenetic location: Xq13.1.
Variant type: single nucleotide variant.
Coding change: c.64C>T on transcript NM_000166.6 (MANE Select); coding-DNA position 64, C replaced by T.
Protein change: p.Arg22Ter; replaces arginine 22 with a stop codon.
Molecular consequence: nonsense.
Genome position (GRCh38, 1-based): chrX:71,223,771, C>T. VCF-style: chrX-71223771-C-T. GRCh37 (hg19) VCF-style: chrX-70443621-C-T.
Other names: c.64C>T, p.Arg22Ter (NM_001097642.3); short protein forms R22*.
Identifiers: ClinVar variation 447441 (VCV000447441.60), dbSNP rs1555937020, ClinGen allele CA413500696.

ClinVar aggregate classification (germline): Pathogenic. Review status: criteria provided, multiple submitters, no conflicts (2 of 4 stars). 11 submissions from 11 submitters: Pathogenic (9). 2 of the submissions do not count toward it. Last evaluated 2026-04-15.

Conditions:
Charcot-Marie-Tooth disease. Also called: Charcot-Marie-Tooth Neuropathy; Charcot-Marie-Tooth Hereditary Neuropathy. Identifiers: Orphanet 166, MedGen C0007959, MONDO:0015626.
Inborn genetic diseases. Identifiers: MedGen C0950123, MeSH D030342.
Charcot-Marie-Tooth Neuropathy X. Identifiers: MedGen CN118851.
Charcot-Marie-Tooth disease X-linked dominant 1. Also called: HEREDITARY MOTOR AND SENSORY NEUROPATHY, X-LINKED; HMSN, X-LINKED; X-linked Charcot-Marie-Tooth disease type 1; GJB1 Disorders: Charcot-Marie-Tooth Neuropathy (CMT1X) and Central Nervous System Phenotypes; CHARCOT-MARIE-TOOTH NEUROPATHY, X-LINKED, 1; CHARCOT-MARIE-TOOTH PERONEAL MUSCULAR ATROPHY, X-LINKED. Identifiers: Orphanet 101075, MedGen C0393808, MONDO:0010549, OMIM 302800.

Submissions (11):

Greenwood Genetic Center Diagnostic Laboratories, Greenwood Genetic Center
Classification: Pathogenic for Charcot-Marie-Tooth disease X-linked dominant 1. Last evaluated: 2026-04-15. Review status: criteria provided, single submitter. Criteria: ACMG Guidelines, 2015. Collection method: clinical testing. Allele origin: germline. Affected: yes.
Comment: PVS1, PS4, PM2

Labcorp Genetics (formerly Invitae), Labcorp
Classification: Pathogenic for Charcot-Marie-Tooth Neuropathy X. Last evaluated: 2026-01-04. Review status: criteria provided, single submitter. Criteria: Invitae Variant Classification Sherloc (09022015). Collection method: clinical testing. Allele origin: germline.
Comment: This sequence change creates a premature translational stop signal (p.Arg22*) in the GJB1 gene. While this is not anticipated to result in nonsense mediated decay, it is expected to disrupt the last 262 amino acid(s) of the GJB1 protein. This variant is not present in population databases (gnomAD no frequency). This premature translational stop signal has been observed in individual(s) with Charcot-Marie-Tooth disease type X (CMTX) (PMID: 8004109, 9401007, 11571214, 21692908). In at least one individual the variant was observed to be de novo. It has also been observed to segregate with disease in related individuals. ClinVar contains an entry for this variant (Variation ID: 447441). Experimental studies and prediction algorithms are not available or were not evaluated, and the functional significance of this variant is currently unknown. For these reasons, this variant has been classified as Pathogenic.

Clinical Omics and Informatics (COIN) Unit, Neuroscience Institute, University Of Cape Town
Classification: Pathogenic for Charcot-Marie-Tooth disease X-linked dominant 1. Last evaluated: 2024-05-22. Review status: criteria provided, single submitter. Criteria: ACMG Guidelines, 2015. Collection method: research. Allele origin: germline. Inheritance: X-linked dominant inheritance. Affected: yes. Observed: 1 variant allele, 1 heterozygote.
Comment: PM2_supporting: This variant is absent from gnomAD v4.0 (adequate coverage >20x confirmed) and an internal database of 1074 control alleles. PM1 met: variant occurs in the N-terminus connexin domain together with other pathogenic variants. PS4 met: variant identified in = 10 unrelated probands with consistent phenotype for disorder. PVS1 met: null variant (nonsense or frameshift variant, predicted to undergo NMD, exon is present in biologically-relevant transcript) in a gene where LOF is a known mechanism of disease. PP1 met: variant segregates with 3 informative meioses in 1 family (PMID: 8698335). Sequencing funded by the International Centre for Genomic Medicine in Neuromuscular Diseases (ICGNMD).

Ambry Genetics
Classification: Pathogenic for Inborn genetic diseases. Last evaluated: 2023-11-01. Review status: criteria provided, single submitter. Criteria: Ambry Variant Classification Scheme 2023. Collection method: clinical testing. Allele origin: germline.
Comment: The c.64C>T (p.R22*) alteration, located in exon 2 (coding exon 1) of the GJB1 gene, consists of a C to T substitution at nucleotide position 64. This changes the amino acid from a arginine (R) to a stop codon at amino acid position 22. This alteration is expected to result in loss of function by premature protein truncation or nonsense-mediated mRNA decay. This variant was not reported in population-based cohorts in the Genome Aggregation Database (gnomAD). This variant has been detected in several individuals with Charcot-Marie-Tooth neuropathy X type 1 (CMTX1) (Ionasescu, 1994; Rouger, 1997; Mandich, 2008; Dubourg, 2001). Based on the available evidence, this alteration is classified as pathogenic.

CeGaT Center for Human Genetics Tuebingen
Classification: Pathogenic. Last evaluated: 2022-09-01. Review status: criteria provided, single submitter. Criteria: CeGaT Center For Human Genetics Tuebingen Variant Classification Criteria Version 2. Collection method: clinical testing. Allele origin: germline. Affected: yes. Observed: 1 variant allele.
Comment: GJB1: PVS1:Strong, PM2, PS4:Moderate, PP1, PP4

GeneDx
Classification: Pathogenic. Last evaluated: 2019-04-11. Review status: criteria provided, single submitter. Criteria: GeneDx Variant Classification Process June 2021. Collection method: clinical testing. Allele origin: germline. Affected: yes.
Comment: Nonsense variant predicted to result in protein truncation in a gene for which loss-of-function is a known mechanism of disease; Not observed in large population cohorts (Lek et al., 2016); This variant is associated with the following publications: (PMID: 31948496, 27228968, 8698335, 21692908, 18379723, 9401007, 21291455, 28768847, 24123415, 8004109)

Fulgent Genetics
Classification: Pathogenic for Charcot-Marie-Tooth disease X-linked dominant 1. Last evaluated: 2018-10-31. Review status: criteria provided, single submitter. Criteria: ACMG Guidelines, 2015. Collection method: clinical testing. Allele origin: unknown.

Athena Diagnostics
Classification: Pathogenic. Last evaluated: 2017-03-22. Review status: criteria provided, single submitter. Criteria: Athena Diagnostics Criteria. Collection method: clinical testing. Allele origin: germline.

Molecular Genetics Laboratory, London Health Sciences Centre
Classification: Pathogenic for Charcot-Marie-Tooth disease. Review status: criteria provided, single submitter. Criteria: ACMG Guidelines, 2015. Collection method: clinical testing. Allele origin: germline. Affected: yes.

Inherited Neuropathy Consortium Ii, University Of Miami
Classification: Uncertain significance for Charcot-Marie-Tooth disease X-linked dominant 1. Last evaluated: 2016-01-06. Review status: no assertion criteria provided. Collection method: literature only. Allele origin: germline. Affected: yes. Not counted in ClinVar's aggregate classification.

Inherited Neuropathy Consortium
Classification: Uncertain significance for Charcot-Marie-Tooth disease. Review status: no assertion criteria provided. Collection method: literature only. Allele origin: germline. Affected: yes. Not counted in ClinVar's aggregate classification.

Literature cited by the submitters: PubMed 8004109 (cited by 3 submitters); PubMed 9401007 (cited by 3 submitters); PubMed 11571214 (cited by Labcorp Genetics (formerly Invitae), Labcorp and Ambry Genetics); PubMed 21692908 (cited by Labcorp Genetics (formerly Invitae), Labcorp and Athena Diagnostics); PubMed 37712079 (cited by Clinical Omics and Informatics (COIN) Unit, Neuroscience Institute, University Of Cape Town); PubMed 8698335 (cited by Clinical Omics and Informatics (COIN) Unit, Neuroscience Institute, University Of Cape Town and Athena Diagnostics); PubMed 18379723 (cited by Ambry Genetics and Athena Diagnostics); PubMed 9099841 (cited by Inherited Neuropathy Consortium Ii, University Of Miami); PubMed 10093067 (cited by Inherited Neuropathy Consortium).